The following is an entry in ClinVar:

ClinVar aggregate classification (germline): Uncertain significance (1 of 4 stars; one submission).

Conditions:
Congenital myotonia, autosomal recessive form. Also called: Becker Generalized Myotonia; BECKER DISEASE; myotonia congenita, autosomal recessive. Identifiers: Orphanet 614, MedGen C0751360, MONDO:0009715, OMIM 255700.
Congenital myotonia, autosomal dominant form (THD). Also called: THOMSEN DISEASE; Myotonia congenita autosomal dominant. Identifiers: Orphanet 614, MedGen C2936781, MONDO:0008055, OMIM 160800.

Allele frequency attached by ClinVar (database versions not stated): gnomAD exomes below 0.00001 and 0.00002; gnomAD 0.00001 and 0.00002; TOPMed 0.00001; ExAC 0.00002; 1000 Genomes Project 0.00020; 1000 Genomes Project 30x 0.00031.
gnomAD v4.1: 10 of 1,613,442 alleles (0.00062%); highest among the groups gnomAD compares: South Asian, 0.0033%; no homozygotes.

Submission:

Labcorp Genetics (formerly Invitae), Labcorp
Classification: Uncertain significance for Congenital myotonia, autosomal recessive form; Congenital myotonia, autosomal dominant form. Last evaluated: 2021-08-30. Review status: criteria provided, single submitter. Criteria: Invitae Variant Classification Sherloc (09022015). Collection method: clinical testing. Allele origin: germline.
Comment: This sequence change replaces arginine with cysteine at codon 390 of the CLCN1 protein (p.Arg390Cys). The arginine residue is highly conserved and there is a large physicochemical difference between arginine and cysteine. This variant is present in population databases (rs547603982, ExAC 0.01%). This variant has not been reported in the literature in individuals affected with CLCN1-related conditions. Algorithms developed to predict the effect of missense changes on protein structure and function (SIFT, PolyPhen-2, Align-GVGD) all suggest that this variant is likely to be disruptive. In summary, the available evidence is currently insufficient to determine the role of this variant in disease. Therefore, it has been classified as a Variant of Uncertain Significance.

NM_000083.3(CLCN1):c.1168C>T (p.Arg390Cys)

Gene: CLCN1 (chloride voltage-gated channel 1; plus strand). Cytogenetic location: 7q34.
Variant type: single nucleotide variant.
Coding change: c.1168C>T on transcript NM_000083.3 (MANE Select); coding-DNA position 1168, C replaced by T.
Protein change: p.Arg390Cys; replaces arginine 390 with cysteine.
Molecular consequence: missense variant. On other transcripts: non-coding transcript variant (1).
Genome position (GRCh38, 1-based): chr7:143,332,420, C>T. VCF-style: chr7-143332420-C-T. GRCh37 (hg19) VCF-style: chr7-143029513-C-T.
Other names: short protein forms R390C.
Identifiers: ClinVar variation 567519 (VCV000567519.6), dbSNP rs547603982, ClinGen allele CA4537272.
Genomic context (GRCh38, chr7:143,332,420, plus strand): 5'-AGTATGGTATTTACTGTGAGTTGGCTGAATTGTGGCGGTTAACTCTGTTTCTTTTTCAGC[C>T]GCCTGCTGTATCCTGGAATTGTTACCTTTGTCATTGCCTCATTCACCTTCCCACCAGGAA-3'
Protein context (NP_000074.3, residues 380-400): KALSQFLAKH[Arg390Cys]LLYPGIVTFV